The following is an entry in ClinVar:

NM_002471.4(MYH6):c.1723G>A (p.Glu575Lys)

Gene: MYH6 (myosin heavy chain 6; minus strand). Cytogenetic location: 14q11.2.
Variant type: single nucleotide variant.
Coding change: c.1723G>A on transcript NM_002471.4 (MANE Select); coding-DNA position 1723, G replaced by A.
Protein change: p.Glu575Lys; replaces glutamic acid 575 with lysine.
Molecular consequence: missense variant.
Genome position (GRCh38, 1-based): chr14:23,398,896, C>T on the plus strand (G>A on the coding strand, the complement: MYH6 is on the minus strand). VCF-style: chr14-23398896-C-T. GRCh37 (hg19) VCF-style: chr14-23868105-C-T.
Other names: short protein forms E575K.
Identifiers: ClinVar variation 3876469 (VCV003876469.1).

ClinVar aggregate classification (germline): Uncertain significance (1 of 4 stars; one submission).

Conditions:
Cardiovascular phenotype. Identifiers: MedGen CN230736.

gnomAD v4.1: 2 of 1,614,110 alleles (0.00012%); highest among the groups gnomAD compares: Non-Finnish European, 0.00017%; no homozygotes.

Submission:

Ambry Genetics
Classification: Uncertain significance for Cardiovascular phenotype. Last evaluated: 2025-03-04. Review status: criteria provided, single submitter. Criteria: Ambry Variant Classification Scheme 2023. Collection method: clinical testing. Allele origin: germline.
Comment: The p.E575K variant (also known as c.1723G>A), located in coding exon 13 of the MYH6 gene, results from a G to A substitution at nucleotide position 1723. The glutamic acid at codon 575 is replaced by lysine, an amino acid with similar properties. This amino acid position is conserved. In addition, this alteration is predicted to be deleterious by in silico analysis. Based on the available evidence, the clinical significance of this variant remains unclear.